The following is an entry in ClinVar:

NM_033310.3(KCNK4):c.705G>A (p.Val235=)

Genes: KCNK4 (potassium two pore domain channel subfamily K member 4; plus strand), KCNK4-CATSPERZ (KCNK4-CATSPERZ readthrough (NMD candidate); plus strand). Cytogenetic location: 11q13.1.
Variant type: single nucleotide variant.
Coding change: c.705G>A on transcript NM_033310.3 (MANE Select); coding-DNA position 705, G replaced by A.
Protein change: p.Val235=; no amino-acid change (valine 235 retained).
Molecular consequence: synonymous variant. On other transcripts: non-coding transcript variant (3).
Genome position (GRCh38, 1-based): chr11:64,298,153, G>A. VCF-style: chr11-64298153-G-A. GRCh37 (hg19) VCF-style: chr11-64065625-G-A.
Other names: c.705G>A, p.Val235= (NM_001317090.2, NM_033311.1).
Identifiers: ClinVar variation 3029175 (VCV003029175.4), dbSNP rs2034824458, ClinGen allele CA381066139.

ClinVar aggregate classification (germline): Likely benign. Review status: criteria provided, single submitter (1 of 4 stars). 2 submissions from 2 submitters: Likely benign (1). 1 of the submissions does not count toward it. Last evaluated 2024-02-25.

Conditions:
KCNK4-related disorder. Also called: KCNK4-related condition.

Allele frequency attached by ClinVar (database versions not stated): TOPMed 0.00001.

Submissions (2):

Labcorp Genetics (formerly Invitae), Labcorp
Classification: Likely benign. Last evaluated: 2024-02-25. Review status: criteria provided, single submitter. Criteria: Invitae Variant Classification Sherloc (09022015). Collection method: clinical testing. Allele origin: germline.

PreventionGenetics, part of Exact Sciences
Classification: Likely benign for KCNK4-related condition. Last evaluated: 2023-06-02. Review status: no assertion criteria provided. Collection method: clinical testing. Allele origin: germline. Not counted in ClinVar's aggregate classification.
Comment: This variant is classified as likely benign based on ACMG/AMP sequence variant interpretation guidelines (Richards et al. 2015 PMID: 25741868, with internal and published modifications).